The following is an entry in ClinVar:

ClinVar aggregate classification (germline): Pathogenic (1 of 4 stars; one submission).

Submission:

GeneDx
Classification: Pathogenic. Last evaluated: 2024-02-04. Review status: criteria provided, single submitter. Criteria: GeneDx Variant Classification Process June 2021. Collection method: clinical testing. Allele origin: germline. Affected: yes.
Comment: Initiation codon variant in a gene for which loss of function is a known mechanism of disease; Not observed at significant frequency in large population cohorts (gnomAD); This variant is associated with the following publications: (PMID: 30555518)

NM_001282531.3(ADNP):c.2T>C (p.Met1Thr)

Gene: ADNP (activity dependent neuroprotector homeobox; minus strand). Cytogenetic location: 20q13.13.
Variant type: single nucleotide variant.
Coding change: c.2T>C on transcript NM_001282531.3 (MANE Select); coding-DNA position 2, T replaced by C.
Protein change: p.Met1Thr; changes the start codon (methionine 1).
Molecular consequence: missense variant, initiator codon variant.
Genome position (GRCh38, 1-based): chr20:50,903,995, A>G on the plus strand (T>C on the coding strand, the complement: ADNP is on the minus strand). VCF-style: chr20-50903995-A-G. GRCh37 (hg19) VCF-style: chr20-49520532-A-G.
Other names: c.2T>C, p.Met1Thr (NM_001282532.2, NM_001347511.2, NM_015339.5 and 1 more transcripts); short protein forms M1T.
Identifiers: ClinVar variation 3340634 (VCV003340634.1).